The following is an entry in ClinVar:

NM_000059.4(BRCA2):c.5791C>T (p.Gln1931Ter)

Gene: BRCA2 (BRCA2 DNA repair associated; plus strand). Cytogenetic location: 13q13.1.
Variant type: single nucleotide variant.
Coding change: c.5791C>T on transcript NM_000059.4 (MANE Select); coding-DNA position 5791, C replaced by T.
Protein change: p.Gln1931Ter; replaces glutamine 1931 with a stop codon.
Molecular consequence: nonsense.
Genome position (GRCh38, 1-based): chr13:32,340,146, C>T. VCF-style: chr13-32340146-C-T. GRCh37 (hg19) VCF-style: chr13-32914283-C-T.
Other names: 6019C>T; short protein forms Q1931*.
Identifiers: ClinVar variation 51939 (VCV000051939.25), dbSNP rs80358807, ClinGen allele CA023241.

ClinVar aggregate classification (germline): Pathogenic. Review status: reviewed by expert panel (3 of 4 stars). 12 submissions from 12 submitters: Pathogenic (1). 11 of the submissions do not count toward it. Last evaluated 2016-09-08.

Conditions:
Breast-ovarian cancer, familial, susceptibility to, 2 (BROVCA2). Also called: BRCA2 Hereditary Breast and Ovarian Cancer. Identifiers: Orphanet 145, MedGen C2675520, MONDO:0012933, OMIM 612555. Disease mechanism: loss of function.
Fanconi anemia complementation group D1. Also called: BRCA2-Related Fanconi Anemia. Identifiers: Orphanet 319462, MedGen C1838457, MONDO:0011584, OMIM 605724.
Medulloblastoma (MDB). Also called: MEDULLOBLASTOMA PREDISPOSITION SYNDROME; Medulloblastoma, somatic. Identifiers: Orphanet 616, MedGen C0025149, MeSH D008527, MONDO:0007959, OMIM 155255, HP:0002885.
Pancreatic cancer, susceptibility to, 2. Identifiers: Orphanet 1333, MedGen C3150546, MONDO:0013235, OMIM 613347.
Glioma susceptibility 3 (GLM3). Also called: Glioblastoma 3. Identifiers: Orphanet 182067, Orphanet 360, MedGen C2751641, MONDO:0013093, OMIM 613029.
Wilms tumor 1 (WT1). Also called: Wilms tumor, somatic. Identifiers: Orphanet 654, MedGen CN033288, MONDO:0008679, OMIM 194070.
Familial cancer of breast. Also called: hereditary breast carcinoma; BREAST CANCER, FAMILIAL; Hereditary breast cancer. Identifiers: Orphanet 227535, MedGen C0346153, MONDO:0016419, OMIM 114480. Disease mechanism: loss of function.
Prostate cancer. Also called: Malignant tumor of prostate. Identifiers: Orphanet 1331, MedGen C0376358, MONDO:0008315, HP:0012125.
Hereditary cancer-predisposing syndrome. Also called: Hereditary Cancer Syndrome; Neoplastic Syndromes, Hereditary; Hereditary neoplastic syndrome; Tumor predisposition. Identifiers: Orphanet 140162, MedGen C0027672, MeSH D009386, MONDO:0015356.
Hereditary breast ovarian cancer syndrome. Also called: Hereditary breast and ovarian cancer syndrome; Breast and ovarian cancer; Hereditary breast and ovarian cancer syndrome (HBOC); BRCA1- and BRCA2-Associated Hereditary Breast and Ovarian Cancer; Hereditary breast and/or ovarian cancer syndrome; Hereditary breast and ovarian cancer. Identifiers: Orphanet 145, MedGen C0677776, MeSH D061325, MONDO:0003582. Disease mechanism: loss of function.

Submissions (12):

Evidence-based Network for the Interpretation of Germline Mutant Alleles (ENIGMA)
Classification: Pathogenic for Breast-ovarian cancer, familial, susceptibility to, 2. Last evaluated: 2016-09-08. Review status: reviewed by expert panel. Criteria: ENIGMA BRCA1/2 Classification Criteria (2015). Collection method: curation. Allele origin: germline.
Comment: Variant allele predicted to encode a truncated non-functional protein.

Ambry Genetics
Classification: Pathogenic for Hereditary cancer-predisposing syndrome. Last evaluated: 2025-03-27. Review status: criteria provided, single submitter. Criteria: Ambry Variant Classification Scheme 2023. Collection method: clinical testing. Allele origin: germline. Not counted in ClinVar's aggregate classification.
Comment: The p.Q1931* pathogenic mutation (also known as c.5791C>T), located in coding exon 10 of the BRCA2 gene, results from a C to T substitution at nucleotide position 5791. This changes the amino acid from a glutamine to a stop codon within coding exon 10. This variant was identified in multiple individuals diagnosed with breast and/or ovarian cancer (Pal T et al. Cancer. 2005 Dec 15;104(12):2807-16; Park B et al. Breast Cancer Res. Treat. 2017 May;163:139-150; Bhaskaran SP et al. Int. J. Cancer. 2019 Aug;145:962-973). This alteration was also identified in a large, worldwide study of BRCA1/2 mutation positive families (Rebbeck TR et al. Hum. Mutat. 2018 05;39:593-620). In addition to the clinical data presented in the literature, this alteration is expected to result in loss of function by premature protein truncation or nonsense-mediated mRNA decay. As such, this alteration is interpreted as a disease-causing mutation.

Women's Health and Genetics/Laboratory Corporation of America, LabCorp
Classification: Pathogenic for Hereditary breast ovarian cancer syndrome. Last evaluated: 2024-01-04. Review status: criteria provided, single submitter. Criteria: LabCorp Variant Classification Summary - May 2015. Collection method: clinical testing. Allele origin: germline. Not counted in ClinVar's aggregate classification.
Comment: Variant summary: BRCA2 c.5791C>T (p.Gln1931X) results in a premature termination codon, predicted to cause a truncation of the encoded protein or absence of the protein due to nonsense mediated decay, which are commonly known mechanisms for disease. The variant was absent in 250660 control chromosomes. c.5791C>T has been reported in the literature in a setting of multi-gene testing in at least one individual affected with breast cancer (e.g. Subasioglu_2023). These data suggest the variant is likely associated with disease. To our knowledge, no experimental evidence demonstrating an impact on protein function has been reported. The following publication has been ascertained in the context of this evaluation (PMID: 36605468). Five submitters have cited clinical-significance assessments for this variant to ClinVar after 2014. All submitters classified the variant as pathogenic. Based on the evidence outlined above, the variant was classified as pathogenic.

Labcorp Genetics (formerly Invitae), Labcorp
Classification: Pathogenic for Hereditary breast ovarian cancer syndrome. Last evaluated: 2023-11-06. Review status: criteria provided, single submitter. Criteria: Invitae Variant Classification Sherloc (09022015). Collection method: clinical testing. Allele origin: germline. Not counted in ClinVar's aggregate classification.
Comment: This sequence change creates a premature translational stop signal (p.Gln1931*) in the BRCA2 gene. It is expected to result in an absent or disrupted protein product. Loss-of-function variants in BRCA2 are known to be pathogenic (PMID: 20104584). This variant is not present in population databases (gnomAD no frequency). This premature translational stop signal has been observed in individual(s) with breast and/or ovarian cancer (PMID: 16284991, 28205045, 28692638, 29446198). This variant is also known as 6019C>T. ClinVar contains an entry for this variant (Variation ID: 51939). For these reasons, this variant has been classified as Pathogenic.

Color Diagnostics, LLC DBA Color Health
Classification: Pathogenic for Hereditary cancer-predisposing syndrome. Last evaluated: 2022-03-01. Review status: criteria provided, single submitter. Criteria: ACMG Guidelines, 2015. Collection method: clinical testing. Allele origin: germline. Not counted in ClinVar's aggregate classification.
Comment: This variant changes 1 nucleotide in exon 11 of the BRCA2 gene, creating a premature translation stop signal. This variant is expected to result in an absent or non-functional protein product. This variant has been reported in 1 individual affected with breast cancer and 1 individual affected with ovarian cancer (PMID: 16284991, 28205045) and has been identified in 2 families among the CIMBA participants (PMID: 29446198). This variant has not been identified in the general population by the Genome Aggregation Database (gnomAD). Loss of BRCA2 function is a known mechanism of disease. Based on the available evidence, this variant is classified as Pathogenic.

Fulgent Genetics
Classification: Pathogenic for Familial cancer of breast; Medulloblastoma; Familial prostate cancer; Wilms tumor 1; Fanconi anemia complementation group D1; Breast-ovarian cancer, familial, susceptibility to, 2; Glioma susceptibility 3; Pancreatic cancer, susceptibility to, 2. Last evaluated: 2018-10-31. Review status: criteria provided, single submitter. Criteria: ACMG Guidelines, 2015. Collection method: clinical testing. Allele origin: unknown. Not counted in ClinVar's aggregate classification.

Consortium of Investigators of Modifiers of BRCA1/2 (CIMBA), c/o University of Cambridge
Classification: Pathogenic for Breast-ovarian cancer, familial, susceptibility to, 2. Last evaluated: 2015-10-02. Review status: criteria provided, single submitter. Criteria: CIMBA Mutation Classification guidelines May 2016. Collection method: clinical testing. Allele origin: germline. Not counted in ClinVar's aggregate classification.

Juno Genomics, Hangzhou Juno Genomics, Inc
Classification: Pathogenic for Breast-ovarian cancer, familial, susceptibility to, 2. Review status: criteria provided, single submitter. Criteria: ACMG Guidelines, 2015. Collection method: clinical testing. Allele origin: germline. Affected: yes. Not counted in ClinVar's aggregate classification.
Comment: Absent from controls (or at extremely low frequency if recessive) in Genome Aggregation Database, Exome Sequencing Project, 1000 Genomes Project, or Exome Aggregation Consortium.;Null variant in a gene where loss of function (LOF) is a known mechanism of disease.;The prevalence of the variant in affected individuals is significantly increased compared to the prevalence in controls.

Sharing Clinical Reports Project (SCRP)
Classification: Pathogenic for Breast-ovarian cancer, familial 2. Last evaluated: 2012-08-02. Review status: no assertion criteria provided. Collection method: clinical testing. Allele origin: germline. Not counted in ClinVar's aggregate classification.

Breast Cancer Information Core (BIC) (BRCA2)
Classification: Pathogenic for Breast-ovarian cancer, familial 2. Last evaluated: 2003-12-23. Review status: no assertion criteria provided. Collection method: clinical testing. Allele origin: germline. Affected: yes. Observed: 1 variant allele. Not counted in ClinVar's aggregate classification.

Clinical Genetics DNA and cytogenetics Diagnostics Lab, Erasmus MC, Erasmus Medical Center
Classification: Pathogenic. Review status: no assertion criteria provided. Collection method: clinical testing. Allele origin: germline. Affected: yes. Study: VKGL Data-share Consensus. Not counted in ClinVar's aggregate classification.

Joint Genome Diagnostic Labs from Nijmegen and Maastricht, Radboudumc and MUMC+
Classification: Pathogenic. Review status: no assertion criteria provided. Collection method: clinical testing. Allele origin: germline. Affected: yes. Study: VKGL Data-share Consensus. Not counted in ClinVar's aggregate classification.

Literature cited by the submitters: PubMed 28205045 (cited by 3 submitters); PubMed 29446198 (cited by 3 submitters); PubMed 30702160 (cited by Ambry Genetics); PubMed 36605468 (cited by Women's Health and Genetics/Laboratory Corporation of America, LabCorp); PubMed 20104584 (cited by Labcorp Genetics (formerly Invitae), Labcorp); PubMed 16284991 (cited by Labcorp Genetics (formerly Invitae), Labcorp and Color Diagnostics, LLC DBA Color Health); PubMed 28692638 (cited by Labcorp Genetics (formerly Invitae), Labcorp).